The following is an entry in ClinVar:

ClinVar aggregate classification (germline): Likely benign (0 of 4 stars; one submission).

Conditions:
PER3-related disorder. Also called: PER3-related condition.

Allele frequency attached by ClinVar (database versions not stated): gnomAD 0.00001; TOPMed 0.00002; ExAC 0.00003; gnomAD exomes 0.00003; ESP Exome Variant Server 0.00015.
gnomAD v4.1: 47 of 1,613,444 alleles (0.0029%); highest among the groups gnomAD compares: Non-Finnish European, 0.0039%; no homozygotes.

Submission:

PreventionGenetics, part of Exact Sciences
Classification: Likely benign for PER3-related condition. Last evaluated: 2019-08-12. Review status: no assertion criteria provided. Collection method: clinical testing. Allele origin: germline.
Comment: This variant is classified as likely benign based on ACMG/AMP sequence variant interpretation guidelines (Richards et al. 2015 PMID: 25741868, with internal and published modifications).

NM_001377275.1(PER3):c.3588T>G (p.Gly1196=)

Gene: PER3 (period circadian regulator 3; plus strand). Cytogenetic location: 1p36.23.
Variant type: single nucleotide variant.
Coding change: c.3588T>G on transcript NM_001377275.1 (MANE Select); coding-DNA position 3588, T replaced by G.
Protein change: p.Gly1196=; no amino-acid change (glycine 1196 retained).
Molecular consequence: synonymous variant.
Genome position (GRCh38, 1-based): chr1:7,842,710, T>G. VCF-style: chr1-7842710-T-G. GRCh37 (hg19) VCF-style: chr1-7902770-T-G.
Other names: c.3531T>G, p.Gly1177= (NM_001289861.2); c.3588T>G, p.Gly1196= (NM_001289862.2); c.3510T>G, p.Gly1170= (NM_001289863.3); c.2628T>G, p.Gly876= (NM_001289864.3); c.3564T>G, p.Gly1188= (NM_001377276.1); c.3561T>G, p.Gly1187= (NM_016831.4).
Identifiers: ClinVar variation 3035288 (VCV003035288.2), dbSNP rs374450338, ClinGen allele CA568825.